The following is an entry in ClinVar:

NM_001040142.2(SCN2A):c.3852C>T (p.Val1284=)

Gene: SCN2A (sodium voltage-gated channel alpha subunit 2; plus strand). Cytogenetic location: 2q24.3.
Variant type: single nucleotide variant.
Coding change: c.3852C>T on transcript NM_001040142.2 (MANE Select); coding-DNA position 3852, C replaced by T.
Protein change: p.Val1284=; no amino-acid change (valine 1284 retained).
Molecular consequence: synonymous variant.
Genome position (GRCh38, 1-based): chr2:165,373,227, C>T. VCF-style: chr2-165373227-C-T. GRCh37 (hg19) VCF-style: chr2-166229737-C-T.
Other names: c.3852C>T, p.Val1284= (NM_001040143.2, NM_001371246.1, NM_001371247.1 and 1 more transcripts).
Identifiers: ClinVar variation 383261 (VCV000383261.1), dbSNP rs1057521569, ClinGen allele CA16604023.
Genomic context (GRCh38, chr2:165,373,227, plus strand): 5'-GAACTGTGTAGACATTTTTATATGTAAATAAGAAAATTGTGTTGCTTTTTCTGTATAGGT[C>T]TCACTGGTTAGCTTAACTGCAAATGCCTTGGGTTACTCAGAACTTGGTGCCATCAAATCC-3'
Protein context (NP_001035232.1, residues 1274-1294): WCWLDFLIVD[Val1284=]SLVSLTANAL

ClinVar aggregate classification (germline): Likely benign (1 of 4 stars; one submission).

Allele frequency attached by ClinVar (database versions not stated): TOPMed below 0.00001.

Submission:

GeneDx
Classification: Likely benign. Last evaluated: 2016-01-19. Review status: criteria provided, single submitter. Criteria: GeneDx Variant Classification (06012015). Collection method: clinical testing. Allele origin: germline. Affected: yes.
Comment: This variant is considered likely benign or benign based on one or more of the following criteria: it is a conservative change, it occurs at a poorly conserved position in the protein, it is predicted to be benign by multiple in silico algorithms, and/or has population frequency not consistent with disease.